The following is an entry in ClinVar:

NM_033004.4(NLRP1):c.3511G>C (p.Ala1171Pro)

Gene: NLRP1 (NLR family pyrin domain containing 1; minus strand). Cytogenetic location: 17p13.2.
Variant type: single nucleotide variant.
Coding change: c.3511G>C on transcript NM_033004.4 (MANE Select); coding-DNA position 3511, G replaced by C.
Protein change: p.Ala1171Pro; replaces alanine 1171 with proline.
Molecular consequence: missense variant.
Genome position (GRCh38, 1-based): chr17:5,530,490, C>G on the plus strand (G>C on the coding strand, the complement: NLRP1 is on the minus strand). VCF-style: chr17-5530490-C-G. GRCh37 (hg19) VCF-style: chr17-5433810-C-G.
Other names: p.Ala1171Pro; c.3523G>C, p.Ala1175Pro (NM_001033053.3); c.3511G>C, p.Ala1171Pro (NM_014922.5); c.3421G>C, p.Ala1141Pro (NM_033006.4, NM_033007.4); short protein forms A1171P, A1141P, A1175P.
Identifiers: ClinVar variation 2067582 (VCV002067582.6), dbSNP rs765372140, ClinGen allele CA8326820.

ClinVar aggregate classification (germline): Uncertain significance. Review status: criteria provided, multiple submitters, no conflicts (2 of 4 stars). 3 submissions from 3 submitters: Uncertain significance (3). Last evaluated 2025-11-03.

Conditions:
Inborn genetic diseases. Identifiers: MedGen C0950123, MeSH D030342.

Allele frequency attached by ClinVar (database versions not stated): TOPMed below 0.00001; ExAC 0.00001.
gnomAD v4.1: 3 of 1,613,882 alleles (0.00019%); highest among the groups gnomAD compares: Non-Finnish European, 0.000085%; no homozygotes.

Submissions (3):

Labcorp Genetics (formerly Invitae), Labcorp
Classification: Uncertain significance. Last evaluated: 2025-11-03. Review status: criteria provided, single submitter. Criteria: Invitae Variant Classification Sherloc (09022015). Collection method: clinical testing. Allele origin: germline.
Comment: This sequence change replaces alanine, which is neutral and non-polar, with proline, which is neutral and non-polar, at codon 1171 of the NLRP1 protein (p.Ala1171Pro). This variant is present in population databases (rs765372140, gnomAD 0.004%). This variant has not been reported in the literature in individuals affected with NLRP1-related conditions. ClinVar contains an entry for this variant (Variation ID: 2067582). An algorithm developed to predict the effect of missense changes on protein structure and function (PolyPhen-2) suggests that this variant is likely to be disruptive. In summary, the available evidence is currently insufficient to determine the role of this variant in disease. Therefore, it has been classified as a Variant of Uncertain Significance.

Mayo Clinic Laboratories, Mayo Clinic
Classification: Uncertain significance. Last evaluated: 2025-06-21. Review status: criteria provided, single submitter. Criteria: ACMG Guidelines, 2015. Collection method: clinical testing. Allele origin: germline. Observed: 1 variant allele.
Comment: BP4_moderate

Ambry Genetics
Classification: Uncertain significance for Inborn genetic diseases. Last evaluated: 2022-05-11. Review status: criteria provided, single submitter. Criteria: Ambry Variant Classification Scheme 2023. Collection method: clinical testing. Allele origin: germline.